The following is an entry in ClinVar:

NM_000352.6(ABCC8):c.1676T>C (p.Phe559Ser)

Gene: ABCC8 (ATP binding cassette subfamily C member 8; minus strand). Cytogenetic location: 11p15.1.
Variant type: single nucleotide variant.
Coding change: c.1676T>C on transcript NM_000352.6 (MANE Select); coding-DNA position 1676, T replaced by C.
Protein change: p.Phe559Ser; replaces phenylalanine 559 with serine.
Molecular consequence: missense variant. On other transcripts: non-coding transcript variant (1).
Genome position (GRCh38, 1-based): chr11:17,430,955, A>G on the plus strand (T>C on the coding strand, the complement: ABCC8 is on the minus strand). VCF-style: chr11-17430955-A-G. GRCh37 (hg19) VCF-style: chr11-17452502-A-G.
Other names: c.1676T>C, p.Phe559Ser (NM_001287174.3, NM_001351295.2); c.1673T>C, p.Phe558Ser (NM_001351296.2, NM_001351297.2); short protein forms F558S, F559S.
Identifiers: ClinVar variation 3707069 (VCV003707069.2).

ClinVar aggregate classification (germline): Uncertain significance (1 of 4 stars; one submission).

gnomAD v4.1: 5 of 1,613,996 alleles (0.00031%); highest among the groups gnomAD compares: Admixed American, 0.0017%; no homozygotes.

Submission:

Labcorp Genetics (formerly Invitae), Labcorp
Classification: Uncertain significance. Last evaluated: 2025-01-23. Review status: criteria provided, single submitter. Criteria: Invitae Variant Classification Sherloc (09022015). Collection method: clinical testing. Allele origin: germline.
Comment: This sequence change replaces phenylalanine, which is neutral and non-polar, with serine, which is neutral and polar, at codon 559 of the ABCC8 protein (p.Phe559Ser). This variant is present in population databases (no rsID available, gnomAD 0.007%). This missense change has been observed in individual(s) with pulmonary arterial hypertension (PMID: 31727138). Invitae Evidence Modeling of protein sequence and biophysical properties (such as structural, functional, and spatial information, amino acid conservation, physicochemical variation, residue mobility, and thermodynamic stability) indicates that this missense variant is expected to disrupt ABCC8 protein function with a positive predictive value of 95%. In summary, the available evidence is currently insufficient to determine the role of this variant in disease. Therefore, it has been classified as a Variant of Uncertain Significance.

Literature cited by the submitters: PubMed 31727138.